The following is an entry in ClinVar:

ClinVar aggregate classification (germline): Uncertain significance. Review status: criteria provided, multiple submitters, no conflicts (2 of 4 stars). 4 submissions from 4 submitters: Uncertain significance (4). Last evaluated 2025-08-27.

Conditions:
Acromelic frontonasal dysostosis (AFND). Identifiers: Orphanet 1827, MedGen C1863616, MONDO:0011359, OMIM 603671.
Inborn genetic diseases. Identifiers: MedGen C0950123, MeSH D030342.

Allele frequency attached by ClinVar (database versions not stated): gnomAD exomes 0.00001; gnomAD 0.00007 and 0.00008; TOPMed 0.00012; ESP Exome Variant Server 0.00022.
gnomAD v4.1: 17 of 1,549,770 alleles (0.0011%); highest among the groups gnomAD compares: African/African-American, 0.021%; no homozygotes.

Submissions (4):

Ambry Genetics
Classification: Uncertain significance for Inborn genetic diseases. Last evaluated: 2025-08-27. Review status: criteria provided, single submitter. Criteria: Ambry Variant Classification Scheme 2023. Collection method: clinical testing. Allele origin: germline.

Labcorp Genetics (formerly Invitae), Labcorp
Classification: Uncertain significance. Last evaluated: 2025-08-06. Review status: criteria provided, single submitter. Criteria: Invitae Variant Classification Sherloc (09022015). Collection method: clinical testing. Allele origin: germline.
Comment: This sequence change replaces methionine, which is neutral and non-polar, with threonine, which is neutral and polar, at codon 664 of the ZSWIM6 protein (p.Met664Thr). This variant is present in population databases (rs371478900, gnomAD 0.008%). This variant has not been reported in the literature in individuals affected with ZSWIM6-related conditions. ClinVar contains an entry for this variant (Variation ID: 1033558). Invitae Evidence Modeling of protein sequence and biophysical properties (such as structural, functional, and spatial information, amino acid conservation, physicochemical variation, residue mobility, and thermodynamic stability) indicates that this missense variant is not expected to disrupt ZSWIM6 protein function with a negative predictive value of 80%. In summary, the available evidence is currently insufficient to determine the role of this variant in disease. Therefore, it has been classified as a Variant of Uncertain Significance.

Revvity Omics, Revvity
Classification: Uncertain significance. Last evaluated: 2019-12-02. Review status: criteria provided, single submitter. Criteria: ACMG Guidelines, 2015. Collection method: clinical testing. Allele origin: germline.

Baylor Genetics
Classification: Uncertain significance for Acromelic frontonasal dysostosis. Last evaluated: 2018-03-02. Review status: criteria provided, single submitter. Criteria: ACMG Guidelines, 2015. Collection method: clinical testing. Allele origin: maternal. Affected: yes.
Comment: This variant was determined to be of uncertain significance according to ACMG Guidelines, 2015 [PMID:25741868].

NM_020928.2(ZSWIM6):c.1991T>C (p.Met664Thr)

Gene: ZSWIM6 (zinc finger SWIM-type containing 6; plus strand). Cytogenetic location: 5q12.1.
Variant type: single nucleotide variant.
Coding change: c.1991T>C on transcript NM_020928.2 (MANE Select); coding-DNA position 1991, T replaced by C.
Protein change: p.Met664Thr; replaces methionine 664 with threonine.
Molecular consequence: missense variant.
Genome position (GRCh38, 1-based): chr5:61,531,471, T>C. VCF-style: chr5-61531471-T-C. GRCh37 (hg19) VCF-style: chr5-60827298-T-C.
Other names: short protein forms M664T.
Identifiers: ClinVar variation 1033558 (VCV001033558.12), dbSNP rs371478900, ClinGen allele CA119663027.